The following is an entry in ClinVar:

ClinVar aggregate classification (germline): Uncertain significance (1 of 4 stars; one submission).

Conditions:
Lethal congenital glycogen storage disease of heart. Also called: GLYCOGEN STORAGE DISEASE OF HEART; PHOSPHORYLASE KINASE DEFICIENCY OF HEART. Identifiers: Orphanet 439854, MedGen C1849813, MONDO:0009867, OMIM 261740.

Submission:

Labcorp Genetics (formerly Invitae), Labcorp
Classification: Uncertain significance for Lethal congenital glycogen storage disease of heart. Last evaluated: 2023-11-03. Review status: criteria provided, single submitter. Criteria: Invitae Variant Classification Sherloc (09022015). Collection method: clinical testing. Allele origin: unknown.
Comment: This variant results in a copy number gain of the genomic region encompassing exon(s) 7-10 of the PRKAG2 gene. While the exact position of this variant cannot be determined from the data, sub-genic copy number gains are generally in tandem (PMID: 25640679). This variant is predicted to be out-of-frame, and may result in an absent or disrupted protein product. However, the current clinical and genetic evidence is not sufficient to establish whether loss-of-function variants in PRKAG2 cause disease. This variant has not been reported in the literature in individuals affected with PRKAG2-related conditions. In summary, the available evidence is currently insufficient to determine the role of this variant in disease. Therefore, it has been classified as a Variant of Uncertain Significance.

Literature cited by the submitters: PubMed 25640679.

NC_000007.13:g.(?_151267237)_(151273558_?)dup

Gene: PRKAG2 (protein kinase AMP-activated non-catalytic subunit gamma 2; minus strand). Cytogenetic location: 7q36.1.
Variant type: Duplication.
Identifiers: ClinVar variation 3245747 (VCV003245747.1).